The following is an entry in ClinVar:

NM_001018115.3(FANCD2):c.1140T>G (p.Phe380Leu)

Genes: FANCD2 (FA complementation group D2; plus strand), LOC107303338 (3p25 FANCD2 Alu-mediated recombination region; plus strand). Cytogenetic location: 3p25.3.
Variant type: single nucleotide variant.
Coding change: c.1140T>G on transcript NM_001018115.3 (MANE Select); coding-DNA position 1140, T replaced by G.
Protein change: p.Phe380Leu; replaces phenylalanine 380 with leucine.
Molecular consequence: missense variant.
Genome position (GRCh38, 1-based): chr3:10,046,585, T>G. VCF-style: chr3-10046585-T-G. GRCh37 (hg19) VCF-style: chr3-10088269-T-G.
Other names: c.1140T>G, p.Phe380Leu (NM_001319984.2, NM_001374253.1, NM_001374254.1 and 1 more transcripts); short protein forms F380L.
Identifiers: ClinVar variation 4681775 (VCV004681775.5).

ClinVar aggregate classification (germline): Uncertain significance (1 of 4 stars; one submission).

gnomAD v4.1: 16 of 1,614,098 alleles (0.00099%); highest among the groups gnomAD compares: South Asian, 0.015%; no homozygotes.

Submission:

CeGaT Center for Human Genetics Tuebingen
Classification: Uncertain significance. Last evaluated: 2025-12-01. Review status: criteria provided, single submitter. Criteria: CeGaT Center For Human Genetics Tuebingen Variant Classification Criteria Version 2. Collection method: clinical testing. Allele origin: germline. Affected: yes. Observed: 1 variant allele.
Comment: FANCD2: PM2, BP4